The following is an entry in ClinVar:

NM_020070.4(IGLL1):c.415_418delinsAAC (p.Asp139fs)

Gene: IGLL1 (immunoglobulin lambda like polypeptide 1; minus strand). Cytogenetic location: 22q11.23.
Variant type: Indel.
Coding change: c.415_418delinsAAC on transcript NM_020070.4 (MANE Select); coding-DNA positions 415 to 418, GACT replaced by AAC.
Protein change: p.Asp139fs; shifts the reading frame from aspartic acid 139.
Molecular consequence: frameshift variant. On other transcripts: 3 prime UTR variant (1).
Genome position (GRCh38, 1-based): chr22:23,573,490-23,573,493, AGTC replaced by GTT on the plus strand (GACT replaced by AAC on the coding strand, the reverse complement: IGLL1 is on the minus strand). VCF-style: chr22-23573490-AGTC-GTT. GRCh37 (hg19) VCF-style: chr22-23915677-AGTC-GTT.
Other names: c.418_421delinsAAC, p.Asp140fs (NM_001369906.1); c.*44_*47delinsAAC (NM_152855.3); short protein forms D139fs, D140fs.
Identifiers: ClinVar variation 3010865 (VCV003010865.3), dbSNP rs2517399887, ClinGen allele CA2740094790.

ClinVar aggregate classification (germline): Uncertain significance (1 of 4 stars; one submission).

Conditions:
Agammaglobulinemia 2, autosomal recessive (AGM2). Also called: AGAMMAGLOBULINEMIA, AUTOSOMAL RECESSIVE, DUE TO IGLL1 DEFECT. Identifiers: MedGen C3150750, MONDO:0013287, OMIM 613500.

Submission:

Labcorp Genetics (formerly Invitae), Labcorp
Classification: Uncertain significance for Agammaglobulinemia 2, autosomal recessive. Last evaluated: 2020-10-30. Review status: criteria provided, single submitter. Criteria: Invitae Variant Classification Sherloc (09022015). Collection method: clinical testing. Allele origin: germline.
Comment: In summary, the available evidence is currently insufficient to determine the role of this variant in disease. Therefore, it has been classified as a Variant of Uncertain Significance. Experimental studies and prediction algorithms are not available or were not evaluated for this variant, and the functional significance of this variant is currently unknown. This variant has not been reported in the literature in individuals with IGLL1-related conditions. The frequency data for this variant in the population databases is considered unreliable, as metrics indicate poor data quality at this position in the ExAC database. This sequence change results in a premature translational stop signal in the IGLL1 gene (p.Asp139Asnfs*7). While this is not anticipated to result in nonsense mediated decay, it is expected to disrupt the last 75 amino acids of the IGLL1 protein.